The following is an entry in ClinVar:

NM_003072.5(SMARCA4):c.4544G>A (p.Arg1515His)

Gene: SMARCA4 (SWI/SNF related BAF chromatin remodeling complex subunit ATPase 4; plus strand). Cytogenetic location: 19p13.2.
Variant type: single nucleotide variant.
Coding change: c.4544G>A on transcript NM_003072.5 (MANE Select); coding-DNA position 4544, G replaced by A.
Protein change: p.Arg1515His; replaces arginine 1515 with histidine.
Molecular consequence: missense variant. On other transcripts: non-coding transcript variant (1).
Genome position (GRCh38, 1-based): chr19:11,058,798, G>A. VCF-style: chr19-11058798-G-A. GRCh37 (hg19) VCF-style: chr19-11169474-G-A.
Other names: c.4544G>A, p.Arg1515His (NM_001128844.3); c.4454G>A, p.Arg1485His (NM_001128845.2); c.4451G>A, p.Arg1484His (NM_001128846.2); c.4445G>A, p.Arg1482His (NM_001128847.4, NM_001374457.1); c.4442G>A, p.Arg1481His (NM_001128848.2); c.4640G>A, p.Arg1547His (NM_001128849.3, NM_001387283.1); short protein forms R1547H, R1484H, R1515H, R1485H, R1481H, R1482H.
Identifiers: ClinVar variation 470411 (VCV000470411.16), dbSNP rs1555795341, ClinGen allele CA404078692.

ClinVar aggregate classification (germline): Conflicting classifications of pathogenicity. Review status: criteria provided, conflicting classifications (1 of 4 stars). 3 submissions from 3 submitters: Uncertain significance (2); Likely benign (1). Last evaluated 2025-08-06.

Conditions:
Hereditary cancer-predisposing syndrome. Also called: Hereditary neoplastic syndrome; Neoplastic Syndromes, Hereditary; Tumor predisposition; Hereditary Cancer Syndrome. Identifiers: Orphanet 140162, MedGen C0027672, MeSH D009386, MONDO:0015356.
Rhabdoid tumor predisposition syndrome 2 (RTPS2). Identifiers: Orphanet 231108, Orphanet 69077, MedGen C2750074, MONDO:0013224, OMIM 613325.

Allele frequency attached by ClinVar (database versions not stated): gnomAD exomes below 0.00001.
gnomAD v4.1: 2 of 1,614,026 alleles (0.00012%); highest among the groups gnomAD compares: Non-Finnish European, 0.00017%; no homozygotes.

Submissions (3):

Labcorp Genetics (formerly Invitae), Labcorp
Classification: Uncertain significance for Rhabdoid tumor predisposition syndrome 2. Last evaluated: 2025-08-06. Review status: criteria provided, single submitter. Criteria: Invitae Variant Classification Sherloc (09022015). Collection method: clinical testing. Allele origin: germline.
Comment: This sequence change replaces arginine, which is basic and polar, with histidine, which is basic and polar, at codon 1547 of the SMARCA4 protein (p.Arg1547His). This variant is not present in population databases (gnomAD no frequency). This variant has not been reported in the literature in individuals affected with SMARCA4-related conditions. ClinVar contains an entry for this variant (Variation ID: 470411). Invitae Evidence Modeling of protein sequence and biophysical properties (such as structural, functional, and spatial information, amino acid conservation, physicochemical variation, residue mobility, and thermodynamic stability) has been performed for this missense variant. However, the output from this modeling did not meet the statistical confidence thresholds required to predict the impact of this variant on SMARCA4 protein function. In summary, the available evidence is currently insufficient to determine the role of this variant in disease. Therefore, it has been classified as a Variant of Uncertain Significance.

Ambry Genetics
Classification: Likely benign for Hereditary cancer-predisposing syndrome. Last evaluated: 2024-06-05. Review status: criteria provided, single submitter. Criteria: Ambry Variant Classification Scheme 2023. Collection method: clinical testing. Allele origin: germline.

GeneDx
Classification: Uncertain significance. Last evaluated: 2022-04-04. Review status: criteria provided, single submitter. Criteria: GeneDx Variant Classification Process June 2021. Collection method: clinical testing. Allele origin: germline. Affected: yes.
Comment: Also known as c.4544G>A / p.(R1515H); Has not been previously published as pathogenic or benign to our knowledge; Not observed at significant frequency in large population cohorts (gnomAD); In silico analysis supports that this missense variant does not alter protein structure/function; This variant is associated with the following publications: (PMID: 24658002)